The following is an entry in ClinVar:

NM_001111.5(ADAR):c.2404A>G (p.Met802Val)

Gene: ADAR (adenosine deaminase RNA specific; minus strand). Cytogenetic location: 1q21.3.
Variant type: single nucleotide variant.
Coding change: c.2404A>G on transcript NM_001111.5 (MANE Select); coding-DNA position 2404, A replaced by G.
Protein change: p.Met802Val; replaces methionine 802 with valine.
Molecular consequence: missense variant.
Genome position (GRCh38, 1-based): chr1:154,590,276, T>C on the plus strand (A>G on the coding strand, the complement: ADAR is on the minus strand). VCF-style: chr1-154590276-T-C. GRCh37 (hg19) VCF-style: chr1-154562752-T-C.
Other names: c.1519A>G, p.Met507Val (NM_001365049.1, NM_001025107.3, NM_001193495.2 and 3 more transcripts); c.2404A>G, p.Met802Val (NM_015840.4); c.2347A>G, p.Met783Val (NM_015841.4); c.2431A>G, p.Met811Val (NM_001365045.1); short protein forms M507V, M811V, M783V, M802V.
Identifiers: ClinVar variation 4791505 (VCV004791505.1).

ClinVar aggregate classification (germline): Uncertain significance (1 of 4 stars; one submission).

Conditions:
Aicardi-Goutieres syndrome 6 (AGS6). Identifiers: Orphanet 51, MedGen C3539013, MONDO:0014007, OMIM 615010.
Symmetrical dyschromatosis of extremities (DSH). Also called: DYSCHROMATOSIS SYMMETRICA HEREDITARIA 1; RETICULATE ACROPIGMENTATION OF DOHI; SYMMETRIC DYSCHROMATOSIS OF THE EXTREMITIES; Dyschromatosis symmetrica hereditaria. Identifiers: Orphanet 41, MedGen C0406775, MONDO:0007483, OMIM 127400.

gnomAD v4.1: 8 of 1,613,914 alleles (0.0005%); highest among the groups gnomAD compares: African/African-American, 0.0027%; no homozygotes.

Submission:

Labcorp Genetics (formerly Invitae), Labcorp
Classification: Uncertain significance for Aicardi-Goutieres syndrome 6; Symmetrical dyschromatosis of extremities. Last evaluated: 2025-09-27. Review status: criteria provided, single submitter. Criteria: Invitae Variant Classification Sherloc (09022015). Collection method: clinical testing. Allele origin: germline.
Comment: This sequence change replaces methionine, which is neutral and non-polar, with valine, which is neutral and non-polar, at codon 802 of the ADAR protein (p.Met802Val). This variant is present in population databases (rs780266671, gnomAD 0.002%). This variant has not been reported in the literature in individuals affected with ADAR-related conditions. Invitae Evidence Modeling of protein sequence and biophysical properties (such as structural, functional, and spatial information, amino acid conservation, physicochemical variation, residue mobility, and thermodynamic stability) indicates that this missense variant is not expected to disrupt ADAR protein function with a negative predictive value of 80%. In summary, the available evidence is currently insufficient to determine the role of this variant in disease. Therefore, it has been classified as a Variant of Uncertain Significance.